The following is an entry in ClinVar:

ClinVar aggregate classification (germline): Uncertain significance (1 of 4 stars; one submission).

Conditions:
Inborn genetic diseases. Identifiers: MedGen C0950123, MeSH D030342.

gnomAD v4.1: 1 of 1,613,424 alleles (0.000062%); highest among the groups gnomAD compares: Non-Finnish European, 0.000085%; no homozygotes.

Submission:

Ambry Genetics
Classification: Uncertain significance for Inborn genetic diseases. Last evaluated: 2025-05-27. Review status: criteria provided, single submitter. Criteria: Ambry Variant Classification Scheme 2023. Collection method: clinical testing. Allele origin: germline.
Comment: The p.L416V variant (also known as c.1246C>G), located in coding exon 13 of the RTEL1 gene, results from a C to G substitution at nucleotide position 1246. The leucine at codon 416 is replaced by valine, an amino acid with highly similar properties. This amino acid position is conserved. In addition, the in silico prediction for this alteration is inconclusive. Based on the available evidence, the clinical significance of this variant remains unclear.

NM_001283009.2(RTEL1):c.1174C>G (p.Leu392Val)

Genes: RTEL1 (regulator of telomere elongation helicase 1; plus strand), RTEL1-TNFRSF6B (RTEL1-TNFRSF6B readthrough (NMD candidate); plus strand). Cytogenetic location: 20q13.33.
Variant type: single nucleotide variant.
Coding change: c.1174C>G on transcript NM_001283009.2 (MANE Select); coding-DNA position 1174, C replaced by G.
Protein change: p.Leu392Val; replaces leucine 392 with valine.
Molecular consequence: missense variant. On other transcripts: non-coding transcript variant (1).
Genome position (GRCh38, 1-based): chr20:63,680,702, C>G. VCF-style: chr20-63680702-C-G. GRCh37 (hg19) VCF-style: chr20-62312055-C-G.
Other names: c.505C>G, p.Leu169Val (NM_001283010.1); c.1174C>G, p.Leu392Val (NM_016434.4); c.1246C>G, p.Leu416Val (NM_032957.5); short protein forms L169V, L392V, L416V.
Identifiers: ClinVar variation 3948418 (VCV003948418.1).
Genomic context (GRCh38, chr20:63,680,702, plus strand): 5'-TCAGCGCCCTGCTGCCCTCCAGGTGCTGGAGTGTTCACCAACACGGCCGGACTGCAGAAG[C>G]TGGCGGACATTATCCAGGTGGGGCCTGCTCCTCTGTGGCATCTCCTTCCCTGATGGAAGC-3'
Protein context (NP_001269938.1, residues 382-402): VFTNTAGLQK[Leu392Val]ADIIQIVFSV